The following is an entry in ClinVar:

ClinVar aggregate classification (germline): Uncertain significance (1 of 4 stars; one submission).

Conditions:
Primary ciliary dyskinesia 3. Identifiers: Orphanet 244, MedGen C1837618, MONDO:0012085, OMIM 608644.

Submission:

Myriad Genetics, Inc.
Classification: Uncertain significance for Primary ciliary dyskinesia 3. Last evaluated: 2026-07-14. Review status: criteria provided, single submitter. Criteria: Myriad Autosomal Dominant, Autosomal Recessive and X-Linked Classification Criteria (2023). Collection method: clinical testing. Allele origin: unknown.
Comment: NM_001369.2(DNAH5):c.11069_11077del9(F3690_L3692del) is an in-frame deletion classified as a variant of uncertain significance in the context of primary ciliary dyskinesia, DNAH5-related. F3690_L3692del has not been observed in cases with relevant disease. Relevant functional assessments of this variant are not available in the literature. F3690_L3692del has been observed in referenced population frequency databases. In summary, there is insufficient evidence to classify NM_001369.2(DNAH5):c.11069_11077del9(F3690_L3692del) as pathogenic or benign. Please note: this variant was assessed in the context of healthy population screening.

NM_001369.3(DNAH5):c.11069_11077del (p.Phe3690_Leu3692del)

Gene: DNAH5 (dynein axonemal heavy chain 5; minus strand). Cytogenetic location: 5p15.2.
Variant type: Deletion.
Coding change: c.11069_11077del on transcript NM_001369.3 (MANE Select); coding-DNA positions 11069 to 11077, 9 bases deleted (TTAGACTCT; older notation c.11069_11077delTTAGACTCT).
Protein change: p.Phe3690_Leu3692del.
Molecular consequence: inframe deletion.
Genome position (GRCh38, 1-based): chr5:13,751,212-13,751,220, AGAGTCTAA deleted on the plus strand (TTAGACTCT on the coding strand, the reverse complement: DNAH5 is on the minus strand); deleting any 9 consecutive bases within chr5:13,751,212-13,751,222 gives the same sequence; the c. name uses the placement nearest the transcript's 3' end. VCF-style (leftmost placement, unchanged base first): chr5-13751211-TAGAGTCTAA-T. GRCh37 (hg19) VCF-style: chr5-13751320-TAGAGTCTAA-T.
Identifiers: ClinVar variation 5003294 (VCV005003294.1).
Genomic context (GRCh38, chr5:13,751,211, plus strand): 5'-ATGGAGGTACGGGCACTTATCTCAGGGGTGTAGGCTGGGTTAGGCAATTTGGTGGTAATG[TAGAGTCTAA>T]AGCCATCCAACACATCTACTTCCTTGTCACCAACTTTCACCTTTTTTATAAAAAGAAATT-3'